The following is an entry in ClinVar:

ClinVar aggregate classification (germline): Uncertain significance. Review status: criteria provided, multiple submitters, no conflicts (2 of 4 stars). 5 submissions from 5 submitters: Uncertain significance (5). Last evaluated 2025-10-27.

Conditions:
Familial colorectal cancer type X. Identifiers: Orphanet 440437, MedGen C3896578, MONDO:0018604.
Hereditary cancer-predisposing syndrome. Also called: Neoplastic Syndromes, Hereditary; Hereditary Cancer Syndrome; Tumor predisposition; Hereditary neoplastic syndrome. Identifiers: Orphanet 140162, MedGen C0027672, MeSH D009386, MONDO:0015356.
Ataxia-telangiectasia syndrome (AT). Also called: LOUIS-BAR SYNDROME; Cerebello-oculocutaneous telangiectasia; Immunodeficiency with ataxia telangiectasia; Ataxia-telangiectasia, complementation group D; AT, COMPLEMENTATION GROUP C; Ataxia-telangiectasia, complementation group E. Identifiers: Orphanet 100, MedGen C0004135, MONDO:0008840, OMIM 208900.

Allele frequency attached by ClinVar (database versions not stated): gnomAD 0.00001; ExAC 0.00002; gnomAD exomes below 0.00001 and 0.00001.
gnomAD v4.1: 5 of 1,613,972 alleles (0.00031%); highest among the groups gnomAD compares: Non-Finnish European, 0.00034%; no homozygotes.

Submissions (5):

Labcorp Genetics (formerly Invitae), Labcorp
Classification: Uncertain significance for Ataxia-telangiectasia syndrome. Last evaluated: 2025-10-27. Review status: criteria provided, single submitter. Criteria: Invitae Variant Classification Sherloc (09022015). Collection method: clinical testing. Allele origin: germline.
Comment: This sequence change replaces tyrosine, which is neutral and polar, with cysteine, which is neutral and slightly polar, at codon 2954 of the ATM protein (p.Tyr2954Cys). This variant is present in population databases (rs767507047, gnomAD 0.004%). This variant has not been reported in the literature in individuals affected with ATM-related conditions. ClinVar contains an entry for this variant (Variation ID: 418049). Invitae Evidence Modeling of protein sequence and biophysical properties (such as structural, functional, and spatial information, amino acid conservation, physicochemical variation, residue mobility, and thermodynamic stability) indicates that this missense variant is expected to disrupt ATM protein function with a positive predictive value of 95%. In summary, the available evidence is currently insufficient to determine the role of this variant in disease. Therefore, it has been classified as a Variant of Uncertain Significance.

Ambry Genetics
Classification: Uncertain significance for Hereditary cancer-predisposing syndrome. Last evaluated: 2024-12-13. Review status: criteria provided, single submitter. Criteria: Ambry Variant Classification Scheme 2023. Collection method: clinical testing. Allele origin: germline.
Comment: The p.Y2954C variant (also known as c.8861A>G), located in coding exon 61 of the ATM gene, results from an A to G substitution at nucleotide position 8861. The tyrosine at codon 2954 is replaced by cysteine, an amino acid with highly dissimilar properties. This amino acid position is highly conserved in available vertebrate species. In addition, this alteration is predicted to be deleterious by in silico analysis. Based on the available evidence, the clinical significance of this variant remains unclear.

Department of Pathology and Laboratory Medicine, Sinai Health System
Classification: Uncertain significance for Familial colorectal cancer type X. Last evaluated: 2023-04-24. Review status: criteria provided, single submitter. Criteria: ACMG Guidelines, 2015. Collection method: clinical testing. Allele origin: germline. Affected: yes.

Color Diagnostics, LLC DBA Color Health
Classification: Uncertain significance for Hereditary cancer-predisposing syndrome. Last evaluated: 2020-04-06. Review status: criteria provided, single submitter. Criteria: ACMG Guidelines, 2015. Collection method: clinical testing. Allele origin: germline.
Comment: This missense variant replaces tyrosine with cysteine at codon 2954 of the ATM protein. Computational prediction suggests that this variant may have deleterious impact on protein structure and function (internally defined REVEL score threshold >= 0.7, PMID: 27666373). Splice site prediction tools suggest that this variant may not impact RNA splicing. To our knowledge, functional studies have not been reported for this variant. This variant has not been reported in individuals affected with hereditary cancer in the literature. This variant has been identified in 3/282746 chromosomes in the general population by the Genome Aggregation Database (gnomAD). The available evidence is insufficient to determine the role of this variant in disease conclusively. Therefore, this variant is classified as a Variant of Uncertain Significance.

GeneDx
Classification: Uncertain significance. Last evaluated: 2017-04-03. Review status: criteria provided, single submitter. Criteria: GeneDx Variant Classification (06012015). Collection method: clinical testing. Allele origin: germline. Affected: yes.
Comment: This variant is denoted ATM c.8861A>G at the cDNA level, p.Tyr2954Cys (Y2954C) at the protein level, and results in the change of a Tyrosine to a Cysteine (TAT>TGT). This variant was observed in the tumors of multiple patients with chronic lymphocytic leukemia (Landau 2013, Skowronska 2012, Austen 2007). ATM Tyr2954Cys was not observed in approximately 6,500 individuals of European and African American ancestry in the NHLBI Exome Sequencing Project, indicating it is not a common benign variant in these populations. Since Tyrosine and Cysteine differ in polarity, charge, size or other properties, this is considered a non-conservative amino acid substitution. ATM Tyr2954Cys occurs at a position that is conserved across species and is located within the PI3-PI4 kinase domain (Tavtigian 2009). In silico analyses predict that this variant is probably damaging to protein structure and function. Based on currently available information, it is unclear whether ATM Tyr2954Cys is pathogenic or benign. We consider it to be a variant of uncertain significance.

Literature cited by the submitters: PubMed 17968022 (cited by Ambry Genetics).

NM_000051.4(ATM):c.8861A>G (p.Tyr2954Cys)

Genes: ATM (ATM serine/threonine kinase; plus strand), C11orf65 (chromosome 11 open reading frame 65; minus strand). Cytogenetic location: 11q22.3.
Variant type: single nucleotide variant.
Coding change: c.8861A>G on transcript NM_000051.4 (MANE Select); coding-DNA position 8861, A replaced by G.
Protein change: p.Tyr2954Cys; replaces tyrosine 2954 with cysteine.
Molecular consequence: missense variant. On other transcripts: intron variant (2).
Genome position (GRCh38, 1-based): chr11:108,365,092, A>G. VCF-style: chr11-108365092-A-G. GRCh37 (hg19) VCF-style: chr11-108235819-A-G.
Other names: c.8861A>G, p.Tyr2954Cys (NM_001351834.2); c.640+20828T>C (NM_001330368.2); c.694+20828T>C (NM_001351110.2); short protein forms Y2954C.
Identifiers: ClinVar variation 418049 (VCV000418049.18), dbSNP rs767507047, ClinGen allele CA6266487.